The following is an entry in ClinVar:

NM_020778.5(ALPK3):c.814G>A (p.Gly272Arg)

Gene: ALPK3 (alpha kinase 3; plus strand). Cytogenetic location: 15q25.3.
Variant type: single nucleotide variant.
Coding change: c.814G>A on transcript NM_020778.5 (MANE Select); coding-DNA position 814, G replaced by A.
Protein change: p.Gly272Arg; replaces glycine 272 with arginine.
Molecular consequence: missense variant.
Genome position (GRCh38, 1-based): chr15:84,840,093, G>A. VCF-style: chr15-84840093-G-A. GRCh37 (hg19) VCF-style: chr15-85383324-G-A.
Other names: short protein forms G272R.
Identifiers: ClinVar variation 4759587 (VCV004759587.1).

ClinVar aggregate classification (germline): Uncertain significance (1 of 4 stars; one submission).

gnomAD v4.1: 4 of 1,614,142 alleles (0.00025%); highest among the groups gnomAD compares: Non-Finnish European, 0.00034%; no homozygotes.

Submission:

Labcorp Genetics (formerly Invitae), Labcorp
Classification: Uncertain significance. Last evaluated: 2025-09-14. Review status: criteria provided, single submitter. Criteria: Invitae Variant Classification Sherloc (09022015). Collection method: clinical testing. Allele origin: germline.
Comment: This sequence change replaces glycine, which is neutral and non-polar, with arginine, which is basic and polar, at codon 474 of the ALPK3 protein (p.Gly474Arg). This variant is present in population databases (rs760641718, gnomAD 0.003%). This variant has not been reported in the literature in individuals affected with ALPK3-related conditions. An algorithm developed to predict the effect of missense changes on protein structure and function (PolyPhen-2) suggests that this variant is likely to be disruptive. In summary, the available evidence is currently insufficient to determine the role of this variant in disease. Therefore, it has been classified as a Variant of Uncertain Significance.